The following is an entry in ClinVar:

ClinVar aggregate classification (germline): Likely benign (1 of 4 stars; one submission).

Allele frequency attached by ClinVar (database versions not stated): gnomAD 0.00537 and 0.00588; 1000 Genomes Project 0.00619; TOPMed 0.00620; 1000 Genomes Project 30x 0.00656.
gnomAD v4.1: 807 of 152,328 alleles (0.53%); highest among the groups gnomAD compares: African/African-American, 1.9%; 3 homozygotes.

Submission:

GeneDx
Classification: Likely benign. Last evaluated: 2018-06-19. Review status: criteria provided, single submitter. Criteria: GeneDx Variant Classification (06012015). Collection method: clinical testing. Allele origin: germline. Affected: yes.
Comment: This variant is considered likely benign or benign based on one or more of the following criteria: it is a conservative change, it occurs at a poorly conserved position in the protein, it is predicted to be benign by multiple in silico algorithms, and/or has population frequency not consistent with disease.

NM_001458.5(FLNC):c.1411+223G>A

Gene: FLNC (filamin C; plus strand). Cytogenetic location: 7q32.1.
Variant type: single nucleotide variant.
Coding change: c.1411+223G>A on transcript NM_001458.5 (MANE Select); 223 bases into the intron after coding-DNA position 1411, G replaced by A.
Molecular consequence: intron variant.
Genome position (GRCh38, 1-based): chr7:128,839,026, G>A. VCF-style: chr7-128839026-G-A. GRCh37 (hg19) VCF-style: chr7-128479080-G-A.
Other names: c.1411+223G>A (NM_001127487.2).
Identifiers: ClinVar variation 679545 (VCV000679545.1), dbSNP rs144736830, ClinGen allele CA166215365.